The following is an entry in ClinVar:

ClinVar aggregate classification (germline): Likely benign. Review status: criteria provided, multiple submitters, no conflicts (2 of 4 stars). 3 submissions from 3 submitters: Likely benign (3). Last evaluated 2025-04-04.

Allele frequency attached by ClinVar (database versions not stated): gnomAD exomes 0.00006 and 0.00015; ESP Exome Variant Server 0.00008; gnomAD 0.00011 and 0.00012; TOPMed 0.00025; 1000 Genomes Project 30x 0.00031; 1000 Genomes Project 0.00040; ExAC 0.00015.
gnomAD v4.1: 117 of 1,612,682 alleles (0.0073%); highest among the groups gnomAD compares: Middle Eastern, 0.099%; no homozygotes.

Submissions (3):

Labcorp Genetics (formerly Invitae), Labcorp
Classification: Likely benign. Last evaluated: 2025-04-04. Review status: criteria provided, single submitter. Criteria: Invitae Variant Classification Sherloc (09022015). Collection method: clinical testing. Allele origin: germline.

GeneDx
Classification: Likely benign. Last evaluated: 2019-12-20. Review status: criteria provided, single submitter. Criteria: GeneDx Variant Classification Process June 2021. Collection method: clinical testing. Allele origin: germline. Affected: yes.

Laboratory for Molecular Medicine, Mass General Brigham Personalized Medicine
Classification: Likely benign. Last evaluated: 2016-05-02. Review status: criteria provided, single submitter. Criteria: LMM Criteria. Collection method: clinical testing. Allele origin: germline. Observed: 1 variant allele.
Comment: p.Lys78Lys in exon 05 of MSRB3: This variant is not expected to have clinical si gnificance because it does not alter an amino acid residue and is not located wi thin the splice consensus sequence. It has been identified in 0.1% (9/11546) of Latino chromosomes by the Exome Aggregation Consortium (ExAC; dbSNP rs143333399).

NM_001031679.3(MSRB3):c.234A>G (p.Lys78=)

Gene: MSRB3 (methionine sulfoxide reductase B3; plus strand). Cytogenetic location: 12q14.3.
Variant type: single nucleotide variant.
Coding change: c.234A>G on transcript NM_001031679.3 (MANE Select); coding-DNA position 234, A replaced by G.
Protein change: p.Lys78=; no amino-acid change (lysine 78 retained).
Molecular consequence: synonymous variant.
Genome position (GRCh38, 1-based): chr12:65,328,574, A>G. VCF-style: chr12-65328574-A-G. GRCh37 (hg19) VCF-style: chr12-65722354-A-G.
Other names: c.234A>G, p.Lys78= (NM_001193460.2, NM_001193461.2); c.255A>G, p.Lys85= (NM_198080.4).
Identifiers: ClinVar variation 504613 (VCV000504613.15), dbSNP rs143333399, ClinGen allele CA6671429.